The following is an entry in ClinVar:

ClinVar aggregate classification (germline): Uncertain significance. Review status: criteria provided, multiple submitters, no conflicts (2 of 4 stars). 3 submissions from 3 submitters: Uncertain significance (3). Last evaluated 2024-08-14.

Conditions:
Benign neonatal seizures. Also called: Convulsions benign familial neonatal dominant form; Autosomal dominant form of benign neonatal seizures; Benign familial neonatal seizures; Benign familial neonatal epilepsy; Benign neonatal familial convulsions. Identifiers: Orphanet 1949, MedGen C0220669, MONDO:0016027.

Submissions (3):

GeneDx
Classification: Uncertain significance. Last evaluated: 2024-08-14. Review status: criteria provided, single submitter. Criteria: GeneDx Variant Classification Process June 2021. Collection method: clinical testing. Allele origin: germline. Affected: yes.
Comment: Not observed at significant frequency in large population cohorts (gnomAD); In silico analysis supports that this missense variant has a deleterious effect on protein structure/function; Has not been previously published as pathogenic or benign to our knowledge

Labcorp Genetics (formerly Invitae), Labcorp
Classification: Uncertain significance for Benign neonatal seizures. Last evaluated: 2023-06-12. Review status: criteria provided, single submitter. Criteria: Invitae Variant Classification Sherloc (09022015). Collection method: clinical testing. Allele origin: germline.
Comment: This sequence change replaces arginine, which is basic and polar, with glutamine, which is neutral and polar, at codon 242 of the KCNQ3 protein (p.Arg242Gln). This variant is not present in population databases (gnomAD no frequency). This variant has not been reported in the literature in individuals affected with KCNQ3-related conditions. ClinVar contains an entry for this variant (Variation ID: 934080). Advanced modeling of protein sequence and biophysical properties (such as structural, functional, and spatial information, amino acid conservation, physicochemical variation, residue mobility, and thermodynamic stability) performed at Invitae indicates that this missense variant is not expected to disrupt KCNQ3 protein function. In summary, the available evidence is currently insufficient to determine the role of this variant in disease. Therefore, it has been classified as a Variant of Uncertain Significance.

Mayo Clinic Laboratories, Mayo Clinic
Classification: Uncertain significance. Last evaluated: 2021-01-08. Review status: criteria provided, single submitter. Criteria: ACMG Guidelines, 2015. Collection method: clinical testing. Allele origin: germline. Observed: 1 variant allele.

NM_004519.4(KCNQ3):c.725G>A (p.Arg242Gln)

Gene: KCNQ3 (potassium voltage-gated channel subfamily Q member 3; minus strand). Cytogenetic location: 8q24.22.
Variant type: single nucleotide variant.
Coding change: c.725G>A on transcript NM_004519.4 (MANE Select); coding-DNA position 725, G replaced by A.
Protein change: p.Arg242Gln; replaces arginine 242 with glutamine.
Molecular consequence: missense variant.
Genome position (GRCh38, 1-based): chr8:132,180,209, C>T on the plus strand (G>A on the coding strand, the complement: KCNQ3 is on the minus strand). VCF-style: chr8-132180209-C-T. GRCh37 (hg19) VCF-style: chr8-133192456-C-T.
Other names: c.365G>A, p.Arg122Gln (NM_001204824.2); short protein forms R122Q, R242Q.
Identifiers: ClinVar variation 934080 (VCV000934080.18), dbSNP rs1826708929, ClinGen allele CA372290761.